The following is an entry in ClinVar:

ClinVar aggregate classification (germline): Uncertain significance. Review status: criteria provided, multiple submitters, no conflicts (2 of 4 stars). 2 submissions from 2 submitters: Uncertain significance (2). Last evaluated 2025-11-05.

Conditions:
CACNA1A-related disorder. Also called: CACNA1A-related condition.
Episodic ataxia type 2 (EA2). Also called: ATAXIA, EPISODIC, WITH NYSTAGMUS; ATAXIA, FAMILIAL PAROXYSMAL; CEREBELLAR ATAXIA, PAROXYSMAL, ACETAZOLAMIDE-RESPONSIVE; CEREBELLOPATHY, HEREDITARY PAROXYSMAL; EPISODIC ATAXIA, NYSTAGMUS-ASSOCIATED; ACETAZOLAMIDE-RESPONSIVE HEREDITARY PAROXYSMAL CEREBELLAR ATAXIA. Identifiers: Orphanet 97, MedGen C1720416, MONDO:0007163, OMIM 108500.

Allele frequency attached by ClinVar (database versions not stated): gnomAD exomes below 0.00001.
gnomAD v4.1: 4 of 1,613,424 alleles (0.00025%); highest among the groups gnomAD compares: Non-Finnish European, 0.00025%; no homozygotes.

Submissions (2):

PreventionGenetics, part of Exact Sciences
Classification: Uncertain significance for CACNA1A-related condition. Last evaluated: 2025-11-05. Review status: criteria provided, single submitter. Criteria: ACMG Guidelines, 2015. Collection method: clinical testing. Allele origin: germline.
Comment: The CACNA1A c.2180A>G variant is predicted to result in the amino acid substitution p.Gln727Arg. To our knowledge, this variant has not been reported in the literature or in a large population database (gnomAD), indicating this variant is rare. At this time, the clinical significance of this variant is uncertain due to the absence of conclusive functional and genetic evidence.

Baylor Genetics
Classification: Uncertain significance for Episodic ataxia type 2. Last evaluated: 2023-09-13. Review status: criteria provided, single submitter. Criteria: ACMG Guidelines, 2015. Collection method: clinical testing. Allele origin: unknown.

NM_001127222.2(CACNA1A):c.2180A>G (p.Gln727Arg)

Gene: CACNA1A (calcium voltage-gated channel subunit alpha1 A; minus strand). Cytogenetic location: 19p13.13.
Variant type: single nucleotide variant.
Coding change: c.2180A>G on transcript NM_001127222.2 (MANE Select); coding-DNA position 2180, A replaced by G.
Protein change: p.Gln727Arg; replaces glutamine 727 with arginine.
Molecular consequence: missense variant.
Genome position (GRCh38, 1-based): chr19:13,300,649, T>C on the plus strand (A>G on the coding strand, the complement: CACNA1A is on the minus strand). VCF-style: chr19-13300649-T-C. GRCh37 (hg19) VCF-style: chr19-13411463-T-C.
Other names: c.2192A>G, p.Gln731Arg (NM_000068.4, NM_023035.3); c.2183A>G, p.Gln728Arg (NM_001127221.2, NM_001174080.2); c.2180A>G (NM_001127222.1); short protein forms Q727R, Q728R, Q731R.
Identifiers: ClinVar variation 2671943 (VCV002671943.2), dbSNP rs1369936534, ClinGen allele CA404344044.